The following is an entry in ClinVar:

NM_206933.4(USH2A):c.2137G>C (p.Gly713Arg)

Gene: USH2A (usherin; minus strand). Cytogenetic location: 1q41.
Variant type: single nucleotide variant.
Coding change: c.2137G>C on transcript NM_206933.4 (MANE Select); coding-DNA position 2137, G replaced by C.
Protein change: p.Gly713Arg; replaces glycine 713 with arginine.
Molecular consequence: missense variant.
Genome position (GRCh38, 1-based): chr1:216,250,933, C>G on the plus strand (G>C on the coding strand, the complement: USH2A is on the minus strand). VCF-style: chr1-216250933-C-G. GRCh37 (hg19) VCF-style: chr1-216424275-C-G.
Other names: NM_007123.5(USH2A):c.2137G>C(p.Gly713Arg); NM_206933.2(USH2A):c.2137G>C(p.Gly713Arg); c.2137G>C, p.Gly713Arg (NM_007123.6); short protein forms G713R.
Identifiers: ClinVar variation 48484 (VCV000048484.39), dbSNP rs696723, ClinGen allele CA143437.

ClinVar aggregate classification (germline): Benign/Likely benign. Review status: criteria provided, multiple submitters, no conflicts (2 of 4 stars). 17 submissions from 15 submitters: Benign (9); Likely benign (6). 2 of the submissions do not count toward it. Last evaluated 2026-02-04.

Conditions:
Retinitis pigmentosa (RP). Identifiers: Orphanet 791, MedGen C0035334, MeSH D012174, MONDO:0019200, OMIM 268000. Inheritance: Autosomal dominant, autosomal recessive and X linked inheritance.
Retinitis pigmentosa 39 (RP39). Identifiers: Orphanet 791, MedGen C3151138, MONDO:0013436, OMIM 613809.
Usher syndrome type 2A. Also called: RETINAL DISEASE IN USHER SYNDROME TYPE IIA, MODIFIER OF; USHER SYNDROME, TYPE IIA. Identifiers: Orphanet 231178, Orphanet 886, MedGen C1848634, MONDO:0010169, OMIM 276901.

Allele frequency attached by ClinVar (database versions not stated): gnomAD 0.05814 and 0.06184; 1000 Genomes Project 0.05970; 1000 Genomes Project 30x 0.06402; TOPMed 0.06545; ESP Exome Variant Server 0.06651.
gnomAD v4.1: 32,656 of 1,613,916 alleles (2%); highest among the groups gnomAD compares: African/African-American, 18%; 1,434 homozygotes.

Submissions (17):

Labcorp Genetics (formerly Invitae), Labcorp
Classification: Benign. Last evaluated: 2026-02-04. Review status: criteria provided, single submitter. Criteria: Invitae Variant Classification Sherloc (09022015). Collection method: clinical testing. Allele origin: germline.

ARUP Laboratories, Molecular Genetics and Genomics, ARUP Laboratories
Classification: Benign. Last evaluated: 2023-11-29. Review status: criteria provided, single submitter. Criteria: ARUP Molecular Germline Variant Investigation Process 2024. Collection method: clinical testing. Allele origin: germline.

Genome-Nilou Lab
Classification: Likely benign for Retinitis pigmentosa 39. Last evaluated: 2023-11-04. Review status: criteria provided, single submitter. Criteria: ACMG Guidelines, 2015. Collection method: clinical testing. Allele origin: germline. Affected: no.

Genome-Nilou Lab
Classification: Likely benign for Usher syndrome type 2A. Last evaluated: 2023-11-04. Review status: criteria provided, single submitter. Criteria: ACMG Guidelines, 2015. Collection method: clinical testing. Allele origin: germline. Affected: no.

Women's Health and Genetics/Laboratory Corporation of America, LabCorp
Classification: Likely benign. Last evaluated: 2021-12-10. Review status: criteria provided, single submitter. Criteria: LabCorp Variant Classification Summary - May 2015. Collection method: clinical testing. Allele origin: germline.

Mayo Clinic Laboratories, Mayo Clinic
Classification: Benign. Last evaluated: 2020-11-27. Review status: criteria provided, single submitter. Criteria: ACMG Guidelines, 2015. Collection method: clinical testing. Allele origin: germline. Observed: 10 variant alleles.

Athena Diagnostics
Classification: Benign. Last evaluated: 2019-02-15. Review status: criteria provided, single submitter. Criteria: Athena Diagnostics Criteria. Collection method: clinical testing. Allele origin: germline.

SIB Swiss Institute of Bioinformatics
Classification: Benign for Usher syndrome type 2A. Last evaluated: 2018-05-31. Review status: criteria provided, single submitter. Criteria: ACMG Guidelines, 2015. Collection method: curation. Allele origin: unknown.
Comment: This variant is interpreted as a Benign - Stand Alone, for Usher syndrome 2A (autosomal recessive, mild), in Autosomal Recessive manner. The following ACMG Tag(s) were applied: BS4 => Lack of segregation in affected members of a family (PMID:15325563). BA1 => Allele frequency is >5% in Exome Sequencing Project, 1000 Genomes Project, or Exome Aggregation Consortium. BS1 => Allele frequency is greater than expected for disorder. BS2 => Observed in a healthy adult individual for a recessive (homozygous), dominant (heterozygous), or X-linked (hemizygous) disorder, with full penetrance expected at an early age.

Illumina Laboratory Services, Illumina
Classification: Likely benign for Retinitis pigmentosa. Last evaluated: 2017-04-27. Review status: criteria provided, single submitter. Criteria: ICSL Variant Classification Criteria 13 December 2019. Collection method: clinical testing. Allele origin: germline.
Comment: This variant was observed as part of a predisposition screen in an ostensibly healthy population. A literature search was performed for the gene, cDNA change, and amino acid change (where applicable). No publications were found based on this search. Allele frequency data from public databases allowed determination this variant is unlikely to cause disease. Therefore, this variant is classified as likely benign.

Illumina Laboratory Services, Illumina
Classification: Likely benign for Usher syndrome type 2A. Last evaluated: 2017-04-27. Review status: criteria provided, single submitter. Criteria: ICSL Variant Classification Criteria 13 December 2019. Collection method: clinical testing. Allele origin: germline.
Comment: This variant was observed as part of a predisposition screen in an ostensibly healthy population. A literature search was performed for the gene, cDNA change, and amino acid change (where applicable). Publications were found based on this search. The evidence from the literature, in combination with allele frequency data from public databases where available, was sufficient to determine this variant is unlikely to cause disease. Therefore, this variant is classified as likely benign.

PreventionGenetics, part of Exact Sciences
Classification: Benign. Last evaluated: 2016-02-26. Review status: criteria provided, single submitter. Criteria: ACMG Guidelines, 2015. Collection method: clinical testing. Allele origin: germline.

GeneDx
Classification: Benign. Last evaluated: 2015-03-03. Review status: criteria provided, single submitter. Criteria: GeneDx Variant Classification Process June 2021. Collection method: clinical testing. Allele origin: germline. Affected: yes.
Comment: This variant is associated with the following publications: (PMID: 30245029, 15325563, 15241801, 22952768, 27884173, 10909849, 21228398, 22004887, 20981092, 21738395, 14676276, 22025579, 12112664, 25262649)

Eurofins Ntd Llc (ga)
Classification: Benign. Last evaluated: 2014-06-18. Review status: criteria provided, single submitter. Criteria: EGL Classification Definitions 2015. Collection method: clinical testing. Allele origin: germline.

Laboratory for Molecular Medicine, Mass General Brigham Personalized Medicine
Classification: Benign. Last evaluated: 2008-02-19. Review status: criteria provided, single submitter. Criteria: LMM Criteria. Collection method: clinical testing. Allele origin: germline. Observed: 127 variant alleles.

Breakthrough Genomics
Classification: Likely benign. Review status: criteria provided, single submitter. Criteria: ACMG Guidelines, 2015. Collection method: not provided. Allele origin: germline. Inheritance: Autosomal recessive inheritance. Affected: yes.

Natera, Inc.
Classification: Benign for Usher syndrome type 2A. Last evaluated: 2020-09-16. Review status: no assertion criteria provided. Collection method: clinical testing. Allele origin: germline. Not counted in ClinVar's aggregate classification.

NEI Ophthalmic Genomics Laboratory, National Institutes of Health
No classification provided. Review status: no classification provided. Collection method: not provided. Allele origin: not provided. Not counted in ClinVar's aggregate classification.

Literature cited by the submitters: PubMed 15325563 (cited by SIB Swiss Institute of Bioinformatics); PubMed 10909849 (cited by Illumina Laboratory Services, Illumina).